The following is an entry in ClinVar:

ClinVar aggregate classification (germline): Conflicting classifications of pathogenicity. Review status: criteria provided, conflicting classifications (1 of 4 stars). 2 submissions from 2 submitters: Uncertain significance (1); Likely benign (1). Last evaluated 2025-12-13.

Conditions:
Gorlin syndrome. Also called: Nevoid Basal Cell Carcinoma Syndrome; Basal cell nevus syndrome. Identifiers: Orphanet 377, MedGen C0004779, MONDO:0007187.

Allele frequency attached by ClinVar (database versions not stated): gnomAD exomes 0.00001 and 0.00002; TOPMed 0.00001; ExAC 0.00002.
gnomAD v4.1: 9 of 1,610,468 alleles (0.00056%); highest among the groups gnomAD compares: Admixed American, 0.0017%; no homozygotes.

Submissions (2):

Labcorp Genetics (formerly Invitae), Labcorp
Classification: Likely benign for Gorlin syndrome. Last evaluated: 2025-12-13. Review status: criteria provided, single submitter. Criteria: Invitae Variant Classification Sherloc (09022015). Collection method: clinical testing. Allele origin: germline.

Quest Diagnostics Nichols Institute San Juan Capistrano
Classification: Uncertain significance. Last evaluated: 2022-10-22. Review status: criteria provided, single submitter. Criteria: Quest Diagnostics criteria. Collection method: clinical testing. Allele origin: unknown.
Comment: To the best of our knowledge, the variant has not been reported in the published literature. The frequency of this variant in the general population, 0.000027 (3/110882 chromosomes), is uninformative in assessment of its pathogenicity. Analysis of this variant using software algorithms for the prediction of the effect of nucleotide changes on splicing yielded predictions that this variant does not affect PTCH1 mRNA splicing . Based on the available information, we are unable to determine the clinical significance of this variant.

NM_000264.5(PTCH1):c.202-6C>T

Genes: PTCH1 (patched 1; minus strand), LOC130002132 (ATAC-STARR-seq lymphoblastoid silent region 20069; plus strand). Cytogenetic location: 9q22.32.
Variant type: single nucleotide variant.
Coding change: c.202-6C>T on transcript NM_000264.5 (MANE Select); 6 bases into the intron before coding-DNA position 202, C replaced by T.
Molecular consequence: intron variant.
Genome position (GRCh38, 1-based): chr9:95,506,605, G>A on the plus strand (C>T on the coding strand, the complement: PTCH1 is on the minus strand). VCF-style: chr9-95506605-G-A. GRCh37 (hg19) VCF-style: chr9-98268887-G-A.
Other names: c.199-6C>T (NM_001083603.3); c.4-6C>T (NM_001083602.3, NM_001354919.2); c.202-6C>T (NM_001354918.2, NM_000264.4); c.-252-6C>T (NM_001083605.3, NM_001083604.3, NM_001083606.3 and 1 more transcripts).
Identifiers: ClinVar variation 220331 (VCV000220331.13), dbSNP rs779129066, ClinGen allele CA350531.